The following is an entry in ClinVar:

NM_022455.5(NSD1):c.4927T>A (p.Cys1643Ser)

Gene: NSD1 (nuclear receptor binding SET domain protein 1; plus strand). Cytogenetic location: 5q35.3.
Variant type: single nucleotide variant.
Coding change: c.4927T>A on transcript NM_022455.5 (MANE Select); coding-DNA position 4927, T replaced by A.
Protein change: p.Cys1643Ser; replaces cysteine 1643 with serine.
Molecular consequence: missense variant.
Genome position (GRCh38, 1-based): chr5:177,257,112, T>A. VCF-style: chr5-177257112-T-A. GRCh37 (hg19) VCF-style: chr5-176684113-T-A.
Other names: c.4054T>A, p.Cys1352Ser (NM_001365684.2, NM_001409308.1, NM_001409309.1 and 1 more transcripts); c.4927T>A, p.Cys1643Ser (NM_001409301.1, NM_001409302.1, NM_001409303.1); c.4507T>A, p.Cys1503Ser (NM_001409304.1); c.4174T>A, p.Cys1392Ser (NM_001409305.1); c.4165T>A, p.Cys1389Ser (NM_001409306.1, NM_001409307.1); short protein forms C1352S, C1389S, C1392S, C1503S, C1643S.
Identifiers: ClinVar variation 4689984 (VCV004689984.1).

ClinVar aggregate classification (germline): Uncertain significance (1 of 4 stars; one submission).

Submission:

GeneDx
Classification: Uncertain significance. Last evaluated: 2025-07-28. Review status: criteria provided, single submitter. Criteria: GeneDx Variant Classification Process June 2021. Collection method: clinical testing. Allele origin: germline. Affected: yes.
Comment: Not observed at significant frequency in large population cohorts (gnomAD); In silico analysis supports that this missense variant has a deleterious effect on protein structure/function; Has not been previously published as pathogenic or benign to our knowledge